The following is an entry in ClinVar:

ClinVar aggregate classification (germline): Uncertain significance (1 of 4 stars; one submission).

Conditions:
Cardiovascular phenotype. Identifiers: MedGen CN230736.

Allele frequency attached by ClinVar (database versions not stated): gnomAD exomes below 0.00001; TOPMed below 0.00001; gnomAD 0.00001.
gnomAD v4.1: 3 of 1,611,644 alleles (0.00019%); highest among the groups gnomAD compares: East Asian, 0.0022%; no homozygotes.

Submission:

Ambry Genetics
Classification: Uncertain significance for Cardiovascular phenotype. Last evaluated: 2023-01-20. Review status: criteria provided, single submitter. Criteria: Ambry Variant Classification Scheme 2023. Collection method: clinical testing. Allele origin: germline.
Comment: The p.I120V variant (also known as c.358A>G), located in coding exon 2 of the GATAD1 gene, results from an A to G substitution at nucleotide position 358. The isoleucine at codon 120 is replaced by valine, an amino acid with highly similar properties. This amino acid position is conserved. In addition, the in silico prediction for this alteration is inconclusive. Since supporting evidence is limited at this time, the clinical significance of this alteration remains unclear.

NM_021167.5(GATAD1):c.358A>G (p.Ile120Val)

Gene: GATAD1 (GATA zinc finger domain containing 1; plus strand). Cytogenetic location: 7q21.2.
Variant type: single nucleotide variant.
Coding change: c.358A>G on transcript NM_021167.5 (MANE Select); coding-DNA position 358, A replaced by G.
Protein change: p.Ile120Val; replaces isoleucine 120 with valine.
Molecular consequence: missense variant. On other transcripts: non-coding transcript variant (1).
Genome position (GRCh38, 1-based): chr7:92,448,860, A>G. VCF-style: chr7-92448860-A-G. GRCh37 (hg19) VCF-style: chr7-92078174-A-G.
Other names: short protein forms I120V.
Identifiers: ClinVar variation 2497138 (VCV002497138.2), dbSNP rs1372187633, ClinGen allele CA368157264.
Genomic context (GRCh38, chr7:92,448,860, plus strand): 5'-TACAAATCTGCTCCGGCTGCTGAAAAGAAAGTCTCCACCAAAGGAAAAGGGAGAAGACAT[A>G]TATTTAAATTGAAAAATGTAAGATATTTGTGGACAGTGCCTTTTACTGTAATGACGTTGT-3'
Protein context (NP_066990.3, residues 110-130): VSTKGKGRRH[Ile120Val]FKLKNPIKAP